The following is an entry in ClinVar:

NC_000015.10:g.(?_32672539)_(32679935_?)dup

Genes: GREM1 (gremlin 1, DAN family BMP antagonist; plus strand), SCG5 (secretogranin V; plus strand). Cytogenetic location: 15q13.3.
Variant type: Duplication.
Identifiers: ClinVar variation 832812 (VCV000832812.8).

ClinVar aggregate classification (germline): Uncertain significance (1 of 4 stars; one submission).

Conditions:
Familial colorectal cancer. Identifiers: MedGen CN280943, MONDO:0023113. Disease mechanism: loss of function.

Submission:

Labcorp Genetics (formerly Invitae), Labcorp
Classification: Uncertain significance for Familial colorectal cancer. Last evaluated: 2019-04-18. Review status: criteria provided, single submitter. Criteria: Invitae Variant Classification Sherloc (09022015). Collection method: clinical testing. Allele origin: germline.
Comment: This variant results in a copy number gain of the genomic region encompassing the promoter of the GREM1 gene. The precise boundaries of this event are unknown. Two different tandem duplications (40 kb and 16 kb) spanning the 3' end of the SCG5 gene and the region upstream of the GREM1 gene have been reported in families with hereditary mixed polyposis syndrome (PMID: 22561515, 25992589, 26493165). However, the variant identified in this individual occurs further upstream of those variants, and the impact of the this duplicated sequence on GREM1 expression and function has not been established. In summary, the available evidence is currently insufficient to determine the role of this variant in disease. Therefore, it has been classified as a Variant of Uncertain Significance.

Literature cited by the submitters: PubMed 22561515; PubMed 25992589; PubMed 26493165.